The following is an entry in ClinVar:

ClinVar aggregate classification (germline): Uncertain significance. Review status: criteria provided, multiple submitters, no conflicts (2 of 4 stars). 2 submissions from 2 submitters: Uncertain significance (2). Last evaluated 2026-01-11.

Conditions:
Brugada syndrome. Also called: Sudden unexpected nocturnal death syndrome; Sudden unexplained nocturnal death syndrome; Sudden Unexplained Death Syndrome; Sudden Unexplained Nocturnal Death Syndrome (SUNDS). Identifiers: Orphanet 130, MedGen C1142166, MONDO:0015263.

gnomAD v4.1: 4 of 1,612,966 alleles (0.00025%); highest among the groups gnomAD compares: African/African-American, 0.0027%; no homozygotes.

Submissions (2):

Labcorp Genetics (formerly Invitae), Labcorp
Classification: Uncertain significance for Brugada syndrome. Last evaluated: 2026-01-11. Review status: criteria provided, single submitter. Criteria: Invitae Variant Classification Sherloc (09022015). Collection method: clinical testing. Allele origin: germline.
Comment: This sequence change falls in intron 21 of the SCN10A gene. It does not directly change the encoded amino acid sequence of the SCN10A protein. It affects a nucleotide within the consensus splice site. This variant is present in population databases (rs772891496, gnomAD 0.008%). This variant has not been reported in the literature in individuals affected with SCN10A-related conditions. Variants that disrupt the consensus splice site are a relatively common cause of aberrant splicing (PMID: 17576681, 9536098). Algorithms developed to predict the effect of sequence changes on RNA splicing suggest that this variant may disrupt the consensus splice site. In summary, the available evidence is currently insufficient to determine the role of this variant in disease. Therefore, it has been classified as a Variant of Uncertain Significance.

GeneDx
Classification: Uncertain significance. Last evaluated: 2025-04-29. Review status: criteria provided, single submitter. Criteria: GeneDx Variant Classification Process June 2021. Collection method: clinical testing. Allele origin: germline. Affected: yes.
Comment: Not observed at significant frequency in large population cohorts (gnomAD); Intronic +5 splice site variant in a gene for which loss of function is a known mechanism of disease, and both splice predictors and evolutionary conservation support a deleterious effect, although in the absence of functional evidence the actual effect of this sequence change is unknown.; Has not been previously published as pathogenic or benign to our knowledge

Literature cited by the submitters: PubMed 17576681 (cited by Labcorp Genetics (formerly Invitae), Labcorp); PubMed 9536098 (cited by Labcorp Genetics (formerly Invitae), Labcorp).

NM_006514.4(SCN10A):c.3804+5G>C

Gene: SCN10A (sodium voltage-gated channel alpha subunit 10; minus strand). Cytogenetic location: 3p22.2.
Variant type: single nucleotide variant.
Coding change: c.3804+5G>C on transcript NM_006514.4 (MANE Select); 5 bases into the intron after coding-DNA position 3804, G replaced by C.
Molecular consequence: intron variant.
Genome position (GRCh38, 1-based): chr3:38,713,953, C>G on the plus strand (G>C on the coding strand, the complement: SCN10A is on the minus strand). VCF-style: chr3-38713953-C-G. GRCh37 (hg19) VCF-style: chr3-38755444-C-G.
Other names: c.3510+5G>C (NM_001293307.2); c.3801+5G>C (NM_001293306.2).
Identifiers: ClinVar variation 4527061 (VCV004527061.2).
Genomic context (GRCh38, chr3:38,713,953, plus strand): 5'-GCTGGGATTACAGGCATGAACCACCGTGCCTGGCCAGATGAGAGAAGTTTTGAGATCAGA[C>G]TTACCCGCATGCCTTCAAATCGAGAAAGAGCCCGCAGTGGCCGCAGAGCGCGAAGGGTTC-3'